The following is an entry in ClinVar:

ClinVar aggregate classification (germline): Uncertain significance (1 of 4 stars; one submission).

Conditions:
Nephronophthisis. Also called: Juvenile Nephronophthisis. Identifiers: Orphanet 655, MedGen C0687120, MONDO:0019005, HP:0000090.

Submission:

Labcorp Genetics (formerly Invitae), Labcorp
Classification: Uncertain significance for Nephronophthisis. Last evaluated: 2022-02-14. Review status: criteria provided, single submitter. Criteria: Invitae Variant Classification Sherloc (09022015). Collection method: clinical testing. Allele origin: germline.
Comment: In summary, the available evidence is currently insufficient to determine the role of this variant in disease. Therefore, it has been classified as a Variant of Uncertain Significance. Algorithms developed to predict the effect of sequence changes on RNA splicing suggest that this variant may create or strengthen a splice site. Algorithms developed to predict the effect of missense changes on protein structure and function are either unavailable or do not agree on the potential impact of this missense change (SIFT: "Tolerated"; PolyPhen-2: "Probably Damaging"; Align-GVGD: "Class C0"). This variant has not been reported in the literature in individuals affected with NPHP1-related conditions. This variant is not present in population databases (gnomAD no frequency). This sequence change replaces proline, which is neutral and non-polar, with alanine, which is neutral and non-polar, at codon 74 of the NPHP1 protein (p.Pro74Ala).

NM_001128178.3(NPHP1):c.220C>G (p.Pro74Ala)

Gene: NPHP1 (nephrocystin 1; minus strand). Cytogenetic location: 2q13.
Variant type: single nucleotide variant.
Coding change: c.220C>G on transcript NM_001128178.3 (MANE Select); coding-DNA position 220, C replaced by G.
Protein change: p.Pro74Ala; replaces proline 74 with alanine.
Molecular consequence: missense variant. On other transcripts: intron variant (1).
Genome position (GRCh38, 1-based): chr2:110,178,532, G>C on the plus strand (C>G on the coding strand, the complement: NPHP1 is on the minus strand). VCF-style: chr2-110178532-G-C. GRCh37 (hg19) VCF-style: chr2-110936109-G-C.
Other names: c.220C>G, p.Pro74Ala (NM_000272.5, NM_001374256.1, NM_001374257.1 and 1 more transcripts); c.144-8534C>G (NM_001128179.3); short protein forms P74A.
Identifiers: ClinVar variation 2097526 (VCV002097526.4), dbSNP rs2467455187, ClinGen allele CA348093559.